The following is an entry in ClinVar:

NM_004646.4(NPHS1):c.44_45dup (p.Leu16fs)

Genes: KIRREL2 (kirre like nephrin family adhesion molecule 2; plus strand), NPHS1 (NPHS1 adhesion molecule, nephrin; minus strand). Cytogenetic location: 19q13.12.
Variant type: Duplication.
Coding change: c.44_45dup on transcript NM_004646.4 (MANE Select); coding-DNA positions 44 to 45, 2 bases duplicated (GG; older notation c.44_45dupGG).
Protein change: p.Leu16fs; shifts the reading frame from leucine 16.
Molecular consequence: frameshift variant.
Genome position (GRCh38, 1-based): chr19:35,851,793-35,851,794, CC duplicated on the plus strand (GG on the coding strand, the reverse complement: NPHS1 is on the minus strand); duplicating any 2 consecutive bases within chr19:35,851,793-35,851,796 gives the same sequence; the c. name uses the placement nearest the transcript's 3' end. VCF-style (leftmost placement, unchanged base first): chr19-35851792-G-GCC. GRCh37 (hg19) VCF-style: chr19-36342694-G-GCC.
Other names: c.44_45dupGG (NM_004646.3); short protein forms L16fs.
Identifiers: ClinVar variation 1389608 (VCV001389608.10), dbSNP rs1555764281, ClinGen allele CA633061427.

ClinVar aggregate classification (germline): Pathogenic/Likely pathogenic. Review status: criteria provided, multiple submitters, no conflicts (2 of 4 stars). 4 submissions from 4 submitters: Pathogenic (2); Likely pathogenic (2). Last evaluated 2025-08-07.

Conditions:
Finnish congenital nephrotic syndrome (NPHS1). Also called: NEPHROTIC SYNDROME, TYPE 1. Identifiers: Orphanet 839, MedGen C0403399, MONDO:0009732, OMIM 256300.

Submissions (4):

Natera, Inc.
Classification: Likely pathogenic for Finnish congenital nephrotic syndrome. Last evaluated: 2025-08-07. Review status: criteria provided, single submitter. Criteria: Natera Variant Classification Schema (03/2026). Collection method: clinical testing. Allele origin: germline.
Comment: The c.44_45dupGG variant in NPHS1 is a frameshift variant predicted to shift the reading frame beginning at codon 16 and leads to a stop codon 3 codons downstream. This variant is expected to result in nonsense mediated decay, truncation, or a dysfunctional protein product. This variant is rare in the general population with a frequency below the threshold expected for the associated phenotype(s). Given the available evidence, this variant is classified as Likely Pathogenic.

Fulgent Genetics
Classification: Likely pathogenic for Finnish congenital nephrotic syndrome. Last evaluated: 2024-03-20. Review status: criteria provided, single submitter. Criteria: ACMG Guidelines, 2015. Collection method: clinical testing. Allele origin: germline.

Vasylyeva lab, Texas Tech University Health Sciences Center
Classification: Pathogenic for Finnish congenital nephrotic syndrome. Last evaluated: 2023-06-28. Review status: criteria provided, single submitter. Criteria: ACMG Guidelines, 2015. Collection method: clinical testing. Allele origin: unknown. Affected: yes.

Labcorp Genetics (formerly Invitae), Labcorp
Classification: Pathogenic. Last evaluated: 2023-05-21. Review status: criteria provided, single submitter. Criteria: Invitae Variant Classification Sherloc (09022015). Collection method: clinical testing. Allele origin: germline.
Comment: For these reasons, this variant has been classified as Pathogenic. ClinVar contains an entry for this variant (Variation ID: 1389608). This variant has not been reported in the literature in individuals affected with NPHS1-related conditions. This variant is present in population databases (no rsID available, gnomAD 0.004%). This sequence change creates a premature translational stop signal (p.Leu16Glyfs*3) in the NPHS1 gene. It is expected to result in an absent or disrupted protein product. Loss-of-function variants in NPHS1 are known to be pathogenic (PMID: 11317351, 11854170, 12039988).

Literature cited by the submitters: PubMed 11317351 (cited by Vasylyeva lab, Texas Tech University Health Sciences Center and Labcorp Genetics (formerly Invitae), Labcorp); PubMed 11854170 (cited by Vasylyeva lab, Texas Tech University Health Sciences Center and Labcorp Genetics (formerly Invitae), Labcorp); PubMed 12039988 (cited by Vasylyeva lab, Texas Tech University Health Sciences Center and Labcorp Genetics (formerly Invitae), Labcorp).